The following is an entry in ClinVar:

NM_000397.4(CYBB):c.141+1G>C

Gene: CYBB (cytochrome b-245 beta chain; plus strand). Cytogenetic location: Xp21.1.
Variant type: single nucleotide variant.
Coding change: c.141+1G>C on transcript NM_000397.4 (MANE Select); the canonical splice donor site of the intron after coding-DNA position 141, G replaced by C.
Molecular consequence: splice donor variant.
Genome position (GRCh38, 1-based): chrX:37,782,184, G>C. VCF-style: chrX-37782184-G-C. GRCh37 (hg19) VCF-style: chrX-37641437-G-C.
Identifiers: ClinVar variation 1373374 (VCV001373374.6), dbSNP rs1556464581, ClinGen allele CA412972685.

ClinVar aggregate classification (germline): Pathogenic (1 of 4 stars; one submission).

Conditions:
Granulomatous disease, chronic, X-linked. Also called: CYTOCHROME b-NEGATIVE GRANULOMATOUS DISEASE, CHRONIC, X-LINKED; GRANULOMATOUS DISEASE, CHRONIC, X-LINKED, SOMATIC MOSAIC. Identifiers: Orphanet 379, MedGen C1844376, MONDO:0010600, OMIM 306400.

Submission:

Labcorp Genetics (formerly Invitae), Labcorp
Classification: Pathogenic for Granulomatous disease, chronic, X-linked. Last evaluated: 2022-01-06. Review status: criteria provided, single submitter. Criteria: Invitae Variant Classification Sherloc (09022015). Collection method: clinical testing. Allele origin: germline.
Comment: This sequence change affects a donor splice site in intron 2 of the CYBB gene. It is expected to disrupt RNA splicing. Variants that disrupt the donor or acceptor splice site typically lead to a loss of protein function (PMID: 16199547), and loss-of-function variants in CYBB are known to be pathogenic (PMID: 9585602, 20729109). This variant is not present in population databases (gnomAD no frequency). For these reasons, this variant has been classified as Pathogenic. Algorithms developed to predict the effect of sequence changes on RNA splicing suggest that this variant may disrupt the consensus splice site. Disruption of this splice site has been observed in individuals with chronic granulomatous disease (PMID: 8070813, 32040803).

Literature cited by the submitters: PubMed 16199547; PubMed 9585602; PubMed 20729109; PubMed 8070813; PubMed 32040803.